The following is an entry in ClinVar:

NM_001110556.2(FLNA):c.34G>T (p.Ala12Ser)

Gene: FLNA (filamin A; minus strand). Cytogenetic location: Xq28.
Variant type: single nucleotide variant.
Coding change: c.34G>T on transcript NM_001110556.2 (MANE Select); coding-DNA position 34, G replaced by T.
Protein change: p.Ala12Ser; replaces alanine 12 with serine.
Molecular consequence: missense variant.
Genome position (GRCh38, 1-based): chrX:154,371,212, C>A on the plus strand (G>T on the coding strand, the complement: FLNA is on the minus strand). VCF-style: chrX-154371212-C-A. GRCh37 (hg19) VCF-style: chrX-153599580-C-A.
Other names: c.34G>T, p.Ala12Ser (NM_001456.4); short protein forms A12S.
Identifiers: ClinVar variation 579460 (VCV000579460.11), dbSNP rs868975259, ClinGen allele CA415255861.

ClinVar aggregate classification (germline): Uncertain significance (1 of 4 stars; one submission).

Conditions:
Heterotopia, periventricular, X-linked dominant (PVNH1). Also called: PERIVENTRICULAR NODULAR HETEROTOPIA 4; HETEROTOPIA, PERIVENTRICULAR, 1; PERIVENTRICULAR NODULAR HETEROTOPIA 1; X-linked periventricular heterotopia. Identifiers: Orphanet 2149, Orphanet 82004, MedGen C1848213, MONDO:0010233, OMIM 300049.
Melnick-Needles syndrome (MNS). Also called: Melnick-Needles Syndrome (FLNA-MNS); MELNICK-NEEDLES OSTEODYSPLASTY; OSTEODYSPLASTY OF MELNICK AND NEEDLES. Identifiers: Orphanet 2484, MedGen C0025237, MONDO:0010650, OMIM 309350.
Frontometaphyseal dysplasia (FMD1). Identifiers: Orphanet 1826, MedGen C0265293, MONDO:0015942.
Oto-palato-digital syndrome, type II (OPD2). Also called: Otopalatodigital Syndrome Type 2 (FLNA-OPD2); Otopalatodigital Syndrome, Type II; FACIOPALATOOSSEOUS SYNDROME; OPD II SYNDROME. Identifiers: Orphanet 669, Orphanet 90652, MedGen C1844696, MONDO:0010571, OMIM 304120.

Allele frequency attached by ClinVar (database versions not stated): gnomAD exomes below 0.00001.
gnomAD v4.1: 1 of 1,198,376 alleles (0.000083%); highest among the groups gnomAD compares: South Asian, 0.0018%; no homozygotes.

Submission:

Labcorp Genetics (formerly Invitae), Labcorp
Classification: Uncertain significance for Oto-palato-digital syndrome, type II; Heterotopia, periventricular, X-linked dominant; Frontometaphyseal dysplasia; Melnick-Needles syndrome. Last evaluated: 2018-08-11. Review status: criteria provided, single submitter. Criteria: Invitae Variant Classification Sherloc (09022015). Collection method: clinical testing. Allele origin: germline.
Comment: This sequence change replaces alanine with serine at codon 12 of the FLNA protein (p.Ala12Ser). The alanine residue is moderately conserved and there is a moderate physicochemical difference between alanine and serine. This variant is not present in population databases (ExAC no frequency). This variant has not been reported in the literature in individuals with FLNA-related disease. Algorithms developed to predict the effect of missense changes on protein structure and function do not agree on the potential impact of this missense change (SIFT: "Deleterious"; PolyPhen-2: "Benign"; Align-GVGD: "Class C0"). In summary, the available evidence is currently insufficient to determine the role of this variant in disease. Therefore, it has been classified as a Variant of Uncertain Significance.